The following is an entry in ClinVar:

NM_001374828.1(ARID1B):c.4033C>G (p.Gln1345Glu)

Gene: ARID1B (AT-rich interaction domain 1B; plus strand). Cytogenetic location: 6q25.3.
Variant type: single nucleotide variant.
Coding change: c.4033C>G on transcript NM_001374828.1 (MANE Select); coding-DNA position 4033, C replaced by G.
Protein change: p.Gln1345Glu; replaces glutamine 1345 with glutamic acid.
Molecular consequence: missense variant.
Genome position (GRCh38, 1-based): chr6:157,189,755, C>G. VCF-style: chr6-157189755-C-G. GRCh37 (hg19) VCF-style: chr6-157510889-C-G.
Other names: c.3874C>G, p.Gln1292Glu (NM_017519.3); c.1534C>G, p.Gln512Glu (NM_001363725.2); c.3913C>G, p.Gln1305Glu (NM_001371656.1, NM_001374820.1); short protein forms Q1292E, Q1305E, Q1345E, Q512E.
Identifiers: ClinVar variation 3633263 (VCV003633263.2).

ClinVar aggregate classification (germline): Uncertain significance (1 of 4 stars; one submission).

Submission:

Labcorp Genetics (formerly Invitae), Labcorp
Classification: Uncertain significance. Last evaluated: 2024-01-25. Review status: criteria provided, single submitter. Criteria: Invitae Variant Classification Sherloc (09022015). Collection method: clinical testing. Allele origin: germline.
Comment: This sequence change replaces glutamine, which is neutral and polar, with glutamic acid, which is acidic and polar, at codon 1222 of the ARID1B protein (p.Gln1222Glu). This variant is not present in population databases (gnomAD no frequency). This variant has not been reported in the literature in individuals affected with ARID1B-related conditions. Advanced modeling of protein sequence and biophysical properties (such as structural, functional, and spatial information, amino acid conservation, physicochemical variation, residue mobility, and thermodynamic stability) has been performed at Invitae for this missense variant, however the output from this modeling did not meet the statistical confidence thresholds required to predict the impact of this variant on ARID1B protein function. In summary, the available evidence is currently insufficient to determine the role of this variant in disease. Therefore, it has been classified as a Variant of Uncertain Significance.